The following is an entry in ClinVar:

NM_006648.4(WNK2):c.6641A>T (p.Glu2214Val)

Gene: WNK2 (WNK lysine deficient protein kinase 2; plus strand). Cytogenetic location: 9q22.31.
Variant type: single nucleotide variant.
Coding change: c.6641A>T on transcript NM_006648.4 (MANE Select); coding-DNA position 6641, A replaced by T.
Protein change: p.Glu2214Val; replaces glutamic acid 2214 with valine.
Molecular consequence: missense variant.
Genome position (GRCh38, 1-based): chr9:93,320,379, A>T. VCF-style: chr9-93320379-A-T. GRCh37 (hg19) VCF-style: chr9-96082661-A-T.
Other names: short protein forms E2214V.
Identifiers: ClinVar variation 4866720 (VCV004866720.1).

ClinVar aggregate classification (germline): Uncertain significance (1 of 4 stars; one submission).

Submission:

Ambry Genetics
Classification: Uncertain significance. Last evaluated: 2026-06-01. Review status: criteria provided, single submitter. Criteria: Ambry Variant Classification Scheme 2023. Collection method: clinical testing. Allele origin: germline.
Comment: The p.E2214V variant (also known as c.6641A>T), located in coding exon 29 of the WNK2 gene, results from an A to T substitution at nucleotide position 6641. The glutamic acid at codon 2214 is replaced by valine, an amino acid with dissimilar properties. This amino acid position is conserved. In addition, this alteration is predicted to be tolerated by in silico analysis. Based on the available evidence, the clinical significance of this variant remains unclear.